The following is an entry in ClinVar:

ClinVar aggregate classification (germline): Uncertain significance (1 of 4 stars; one submission).

Conditions:
Inborn genetic diseases. Identifiers: MedGen C0950123, MeSH D030342.

Submission:

Ambry Genetics
Classification: Uncertain significance for Inborn genetic diseases. Last evaluated: 2024-11-17. Review status: criteria provided, single submitter. Criteria: Ambry Variant Classification Scheme 2023. Collection method: clinical testing. Allele origin: germline.
Comment: The p.C499Y variant (also known as c.1496G>A), located in coding exon 12 of the FANCG gene, results from a G to A substitution at nucleotide position 1496. The cysteine at codon 499 is replaced by tyrosine, an amino acid with highly dissimilar properties. This amino acid position is conserved. In addition, this alteration is predicted to be tolerated by in silico analysis. Based on the available evidence, the clinical significance of this variant remains unclear.

NM_004629.2(FANCG):c.1496G>A (p.Cys499Tyr)

Gene: FANCG (FA complementation group G; minus strand). Cytogenetic location: 9p13.3.
Variant type: single nucleotide variant.
Coding change: c.1496G>A on transcript NM_004629.2 (MANE Select); coding-DNA position 1496, G replaced by A.
Protein change: p.Cys499Tyr; replaces cysteine 499 with tyrosine.
Molecular consequence: missense variant.
Genome position (GRCh38, 1-based): chr9:35,075,067, C>T on the plus strand (G>A on the coding strand, the complement: FANCG is on the minus strand). VCF-style: chr9-35075067-C-T. GRCh37 (hg19) VCF-style: chr9-35075064-C-T.
Other names: short protein forms C499Y.
Identifiers: ClinVar variation 3512831 (VCV003512831.1).